The following is an entry in ClinVar:

ClinVar aggregate classification (germline): Uncertain significance. Review status: reviewed by expert panel (3 of 4 stars). 2 submissions from 2 submitters: Uncertain significance (1). 1 of the submissions does not count toward it. Last evaluated 2024-09-12.

Conditions:
Hereditary thrombocytopenia and hematological cancer predisposition syndrome associated with RUNX1. Also called: Familial Platelet Disorder with Propensity to Acute Myelogenous Leukemia; Familial thrombocytopenia with propensity to acute myelogenous leukemia; RUNX1 Familial Platelet Disorder with Associated Myeloid Malignancies; PLATELET DISORDER, ASPIRIN-LIKE. Identifiers: Orphanet 71290, MedGen C1832388, MeSH C563324, MONDO:0100083, OMIM 601399.

Submissions (2):

ClinGen Myeloid Malignancy Variant Curation Expert Panel
Classification: Uncertain significance for Hereditary thrombocytopenia and hematological cancer predisposition syndrome associated with RUNX1. Last evaluated: 2024-09-12. Review status: reviewed by expert panel. Criteria: ClinGen MyeloMalig ACMG Specifications v2. Collection method: curation. Allele origin: germline. Inheritance: Autosomal dominant inheritance.
Comment: NC_000021.9:g.34880712_34880714del is an in-frame deletion which affects residues within the Runt Homology Domain (AA 89-204), but does not occur in an established hotspot residue (PM4_supporting). This variant is completely absent from all population databases with at least 20x coverage for RUNX1 (PM2_supporting). In summary, the clinical significance of this variant is uncertain. ACMG/AMP criteria applied, as specified by the Myeloid Malignancy Variant Curation Expert Panel for RUNX1: PM2_supporting, PM4_supporting.

PreventionGenetics, part of Exact Sciences
Classification: Uncertain significance. Last evaluated: 2014-01-03. Review status: criteria provided, single submitter. Criteria: ACMG Guidelines, 2015. Collection method: clinical testing. Allele origin: germline. Not counted in ClinVar's aggregate classification.

NM_001754.4(RUNX1):c.356_358delTGG

Genes: RUNX1 (RUNX family transcription factor 1; minus strand), RUNX1-AS1 (RUNX1 antisense RNA 1; plus strand). Cytogenetic location: 21q22.12.
Variant type: Microsatellite.
Coding change: c.356_358delTGG on transcript NM_001754.4; coding-DNA positions 356 to 358, 3 bases deleted (TGG).
Genome position (GRCh38, 1-based): chr21:34,880,707-34,880,709, CCA deleted on the plus strand (TGG on the coding strand, the reverse complement: RUNX1 is on the minus strand); deleting any 3 consecutive bases within chr21:34,880,707-34,880,714 gives the same sequence; the c. name uses the placement nearest the transcript's 3' end. VCF-style (leftmost placement, unchanged base first): chr21-34880706-GCCA-G. GRCh37 (hg19) VCF-style: chr21-36253003-GCCA-G.
Identifiers: ClinVar variation 561237 (VCV000561237.5), dbSNP rs1569079249, ClinGen allele CA658824420.
Genomic context (GRCh38, chr21:34,880,706, plus strand): 5'-TAGTTTTCATCATTGCCAGCCATCACAGTGACCAGAGTGCCATCTGGAACATCCCCTAGG[GCCA>G]CCACCTAAACACCAGTCAAAGGACAAATGCAGACATCAGGGATGTTATACATACACTTTT-3'